The following is an entry in ClinVar:

NM_021020.5(LZTS1):c.844C>T (p.Arg282Cys)

Gene: LZTS1 (leucine zipper tumor suppressor 1; minus strand). Cytogenetic location: 8p21.3.
Variant type: single nucleotide variant.
Coding change: c.844C>T on transcript NM_021020.5 (MANE Select); coding-DNA position 844, C replaced by T.
Protein change: p.Arg282Cys; replaces arginine 282 with cysteine.
Molecular consequence: missense variant.
Genome position (GRCh38, 1-based): chr8:20,253,087, G>A on the plus strand (C>T on the coding strand, the complement: LZTS1 is on the minus strand). VCF-style: chr8-20253087-G-A. GRCh37 (hg19) VCF-style: chr8-20110598-G-A.
Other names: c.844C>T (NM_021020.3); c.844C>T, p.Arg282Cys (NM_001362884.2); short protein forms R282C.
Identifiers: ClinVar variation 1664306 (VCV001664306.10), dbSNP rs140920176, ClinGen allele CA4657430.

ClinVar aggregate classification (germline): Likely benign. Review status: criteria provided, single submitter (1 of 4 stars). 2 submissions from 2 submitters: Likely benign (1). 1 of the submissions does not count toward it. Last evaluated 2026-01-12.

Conditions:
LZTS1-related disorder. Also called: LZTS1-related condition.

Allele frequency attached by ClinVar (database versions not stated): gnomAD exomes 0.00015; 1000 Genomes Project 0.00020; ExAC 0.00020; 1000 Genomes Project 30x 0.00062; gnomAD 0.00088 and 0.00096; ESP Exome Variant Server 0.00092.

Submissions (2):

Labcorp Genetics (formerly Invitae), Labcorp
Classification: Likely benign. Last evaluated: 2026-01-12. Review status: criteria provided, single submitter. Criteria: Invitae Variant Classification Sherloc (09022015). Collection method: clinical testing. Allele origin: germline.

PreventionGenetics, part of Exact Sciences
Classification: Likely benign for LZTS1-related condition. Last evaluated: 2024-01-22. Review status: no assertion criteria provided. Collection method: clinical testing. Allele origin: germline. Not counted in ClinVar's aggregate classification.
Comment: This variant is classified as likely benign based on ACMG/AMP sequence variant interpretation guidelines (Richards et al. 2015 PMID: 25741868, with internal and published modifications).